The following is an entry in ClinVar:

NM_000051.4(ATM):c.1507G>A (p.Glu503Lys)

Gene: ATM (ATM serine/threonine kinase; plus strand). Cytogenetic location: 11q22.3.
Variant type: single nucleotide variant.
Coding change: c.1507G>A on transcript NM_000051.4 (MANE Select); coding-DNA position 1507, G replaced by A.
Protein change: p.Glu503Lys; replaces glutamic acid 503 with lysine.
Molecular consequence: missense variant.
Genome position (GRCh38, 1-based): chr11:108,250,972, G>A. VCF-style: chr11-108250972-G-A. GRCh37 (hg19) VCF-style: chr11-108121699-G-A.
Other names: c.1507G>A, p.Glu503Lys (NM_001351834.2); short protein forms E503K.
Identifiers: ClinVar variation 1715076 (VCV001715076.6), dbSNP rs2135325090, ClinGen allele CA382534245.

ClinVar aggregate classification (germline): Uncertain significance (1 of 4 stars; one submission).

Conditions:
Ataxia-telangiectasia syndrome (AT). Also called: Cerebello-oculocutaneous telangiectasia; ATAXIA-TELANGIECTASIA, COMPLEMENTATION GROUP A; ATAXIA-TELANGIECTASIA, FRESNO VARIANT; Ataxia-telangiectasia, complementation group D; AT, COMPLEMENTATION GROUP C; Immunodeficiency with ataxia telangiectasia. Identifiers: Orphanet 100, MedGen C0004135, MONDO:0008840, OMIM 208900.

Submission:

Labcorp Genetics (formerly Invitae), Labcorp
Classification: Uncertain significance for Ataxia-telangiectasia syndrome. Last evaluated: 2022-11-03. Review status: criteria provided, single submitter. Criteria: Invitae Variant Classification Sherloc (09022015). Collection method: clinical testing. Allele origin: germline.
Comment: In summary, the available evidence is currently insufficient to determine the role of this variant in disease. Therefore, it has been classified as a Variant of Uncertain Significance. Algorithms developed to predict the effect of missense changes on protein structure and function are either unavailable or do not agree on the potential impact of this missense change (SIFT: "Tolerated"; PolyPhen-2: "Possibly Damaging"; Align-GVGD: "Class C0"). This variant has not been reported in the literature in individuals affected with ATM-related conditions. This variant is not present in population databases (gnomAD no frequency). This sequence change replaces glutamic acid, which is acidic and polar, with lysine, which is basic and polar, at codon 503 of the ATM protein (p.Glu503Lys).